The following is an entry in ClinVar:

NM_001848.3(COL6A1):c.2220G>A (p.Pro740=)

Gene: COL6A1 (collagen type VI alpha 1 chain; plus strand). Cytogenetic location: 21q22.3.
Variant type: single nucleotide variant.
Coding change: c.2220G>A on transcript NM_001848.3 (MANE Select); coding-DNA position 2220, G replaced by A.
Protein change: p.Pro740=; no amino-acid change (proline 740 retained).
Molecular consequence: synonymous variant.
Genome position (GRCh38, 1-based): chr21:46,002,371, G>A. VCF-style: chr21-46002371-G-A. GRCh37 (hg19) VCF-style: chr21-47422285-G-A.
Other names: p.Pro740=.
Identifiers: ClinVar variation 196776 (VCV000196776.47), dbSNP rs138976133, ClinGen allele CA202582.

ClinVar aggregate classification (germline): Benign/Likely benign. Review status: criteria provided, multiple submitters, no conflicts (2 of 4 stars). 8 submissions from 8 submitters: Benign (4); Likely benign (4). Last evaluated 2026-01-12.

Conditions:
Collagen 6-related myopathy. Identifiers: MedGen CN117976, MONDO:0100225.
Bethlem myopathy 1A. Also called: MYOPATHY, BENIGN CONGENITAL, WITH CONTRACTURES; Bethlem myopathy 1; Bethlem Muscular Dystrophy. Identifiers: Orphanet 610, MedGen CN029274, MONDO:0024530, OMIM 158810.

Allele frequency attached by ClinVar (database versions not stated): gnomAD 0.00134; 1000 Genomes Project 0.00160; 1000 Genomes Project 30x 0.00172; TOPMed 0.00202; ESP Exome Variant Server 0.00231.
gnomAD v4.1: 1,597 of 1,594,070 alleles (0.1%); highest among the groups gnomAD compares: Middle Eastern, 0.73%; 7 homozygotes.

Submissions (8):

Labcorp Genetics (formerly Invitae), Labcorp
Classification: Benign for Bethlem myopathy 1A. Last evaluated: 2026-01-12. Review status: criteria provided, single submitter. Criteria: Invitae Variant Classification Sherloc (09022015). Collection method: clinical testing. Allele origin: germline.

CeGaT Center for Human Genetics Tuebingen
Classification: Likely benign. Last evaluated: 2025-09-01. Review status: criteria provided, single submitter. Criteria: CeGaT Center For Human Genetics Tuebingen Variant Classification Criteria Version 2. Collection method: clinical testing. Allele origin: germline. Affected: yes. Observed: 13 variant alleles.
Comment: COL6A1: BP4, BP7

Blueprint Genetics
Classification: Likely benign. Last evaluated: 2024-11-27. Review status: criteria provided, single submitter. Criteria: ACMG Guidelines, 2015. Collection method: clinical testing. Allele origin: germline.

Mayo Clinic Laboratories, Mayo Clinic
Classification: Benign. Last evaluated: 2023-05-25. Review status: criteria provided, single submitter. Criteria: ACMG Guidelines, 2015. Collection method: clinical testing. Allele origin: germline. Observed: 2 variant alleles.
Comment: BS1, BS2, BP4, BP7

GeneDx
Classification: Benign. Last evaluated: 2020-04-20. Review status: criteria provided, single submitter. Criteria: GeneDx Variant Classification Process June 2021. Collection method: clinical testing. Allele origin: germline. Affected: yes.

Illumina Laboratory Services, Illumina
Classification: Benign for Collagen VI-related myopathy. Last evaluated: 2018-01-12. Review status: criteria provided, single submitter. Criteria: ICSL Variant Classification Criteria 13 December 2019. Collection method: clinical testing. Allele origin: germline.
Comment: This variant was observed in the ICSL laboratory as part of a predisposition screen in an ostensibly healthy population. It had not been previously curated by ICSL or reported in the Human Gene Mutation Database (HGMD: prior to June 1st, 2018), and was therefore a candidate for classification through an automated scoring system. Utilizing variant allele frequency, disease prevalence and penetrance estimates, and inheritance mode, an automated score was calculated to assess if this variant is too frequent to cause the disease. Based on the score and internal cut-off values, a variant classified as benign is not then subjected to further curation. The score for this variant resulted in a classification of benign for this disease.

Eurofins Ntd Llc (ga)
Classification: Likely benign. Last evaluated: 2015-05-04. Review status: criteria provided, single submitter. Criteria: EGL Classification Definitions 2015. Collection method: clinical testing. Allele origin: germline. Observed: 1 variant allele, 1 heterozygote.

Breakthrough Genomics
Classification: Likely benign. Review status: criteria provided, single submitter. Criteria: ACMG Guidelines, 2015. Collection method: not provided. Allele origin: germline. Inheritance: Autosomal recessive inheritance. Affected: yes.